The following is an entry in ClinVar:

ClinVar aggregate classification (germline): Uncertain significance. Review status: criteria provided, multiple submitters, no conflicts (2 of 4 stars). 2 submissions from 2 submitters: Uncertain significance (2). Last evaluated 2024-02-24.

Conditions:
Exostoses, multiple, type 2 (EXT2). Also called: Hereditary Multiple Osteochondromatosis, Type II; EXOSTOSES, MULTIPLE, TYPE II. Identifiers: Orphanet 321, MedGen C1851413, MONDO:0007586, OMIM 133701.

Allele frequency attached by ClinVar (database versions not stated): gnomAD exomes below 0.00001 and 0.00003.
gnomAD v4.1: 42 of 1,614,004 alleles (0.0026%); highest among the groups gnomAD compares: Non-Finnish European, 0.0034%; no homozygotes.

Submissions (2):

Labcorp Genetics (formerly Invitae), Labcorp
Classification: Uncertain significance for Exostoses, multiple, type 2. Last evaluated: 2024-02-24. Review status: criteria provided, single submitter. Criteria: Invitae Variant Classification Sherloc (09022015). Collection method: clinical testing. Allele origin: germline.
Comment: This sequence change replaces aspartic acid, which is acidic and polar, with asparagine, which is neutral and polar, at codon 499 of the EXT2 protein (p.Asp499Asn). This variant also falls at the last nucleotide of exon 9, which is part of the consensus splice site for this exon. This variant is present in population databases (no rsID available, gnomAD 0.0009%). This variant has not been reported in the literature in individuals affected with EXT2-related conditions. ClinVar contains an entry for this variant (Variation ID: 879984). An algorithm developed to predict the effect of missense changes on protein structure and function (PolyPhen-2) suggests that this variant is likely to be tolerated. Variants that disrupt the consensus splice site are a relatively common cause of aberrant splicing (PMID: 17576681, 9536098). Algorithms developed to predict the effect of sequence changes on RNA splicing suggest that this variant may disrupt the consensus splice site. In summary, the available evidence is currently insufficient to determine the role of this variant in disease. Therefore, it has been classified as a Variant of Uncertain Significance.

Illumina Laboratory Services, Illumina
Classification: Uncertain significance for Exostoses, multiple, type 2. Last evaluated: 2018-03-16. Review status: criteria provided, single submitter. Criteria: ICSL Variant Classification Criteria 13 December 2019. Collection method: clinical testing. Allele origin: germline.

Literature cited by the submitters: PubMed 17576681 (cited by Labcorp Genetics (formerly Invitae), Labcorp); PubMed 9536098 (cited by Labcorp Genetics (formerly Invitae), Labcorp).

NM_207122.2(EXT2):c.1495G>A (p.Asp499Asn)

Genes: EXT2 (exostosin glycosyltransferase 2; plus strand), LOC126861201 (MED14-independent group 3 enhancer GRCh37_chr11:44218806-44220005; plus strand). Cytogenetic location: 11p11.2.
Variant type: single nucleotide variant.
Coding change: c.1495G>A on transcript NM_207122.2 (MANE Select); coding-DNA position 1495, G replaced by A.
Protein change: p.Asp499Asn; replaces aspartic acid 499 with asparagine.
Molecular consequence: missense variant.
Genome position (GRCh38, 1-based): chr11:44,198,018, G>A. VCF-style: chr11-44198018-G-A. GRCh37 (hg19) VCF-style: chr11-44219568-G-A.
Other names: c.1594G>A, p.Asp532Asn (NM_000401.3); c.1525G>A, p.Asp509Asn (NM_001178083.3); c.1495G>A, p.Asp499Asn (NM_001389628.1, NM_001389630.1); short protein forms D499N, D509N, D532N.
Identifiers: ClinVar variation 879984 (VCV000879984.11), dbSNP rs1314735230, ClinGen allele CA380179319.